The following is an entry in ClinVar:

NM_002641.4(PIGA):c.1449del (p.Arg484fs)

Gene: PIGA (phosphatidylinositol glycan anchor biosynthesis class A; minus strand). Cytogenetic location: Xp22.2.
Variant type: Deletion.
Coding change: c.1449del on transcript NM_002641.4 (MANE Select); coding-DNA position 1449, one base deleted (C; older notation c.1449delC).
Protein change: p.Arg484fs; shifts the reading frame from arginine 484.
Molecular consequence: frameshift variant. On other transcripts: non-coding transcript variant (2).
Genome position (GRCh38, 1-based): chrX:15,321,512, G deleted on the plus strand (C on the coding strand, the reverse complement: PIGA is on the minus strand); the first of 2 consecutive G bases (chrX:15,321,512-15,321,513); deleting either gives the same sequence. VCF-style (leftmost placement, unchanged base first): chrX-15321511-TG-T. GRCh37 (hg19) VCF-style: chrX-15339633-TG-T.
Other names: c.1448delC, p.Arg484Glyfs (NM_002641.3); c.747del, p.Arg250fs (NM_020473.3); short protein forms R250fs, R484fs.
Identifiers: ClinVar variation 4056955 (VCV004056955.1).

ClinVar aggregate classification (germline): Uncertain significance (1 of 4 stars; one submission).

Submission:

GeneDx
Classification: Uncertain significance. Last evaluated: 2025-01-03. Review status: criteria provided, single submitter. Criteria: GeneDx Variant Classification Process June 2021. Collection method: clinical testing. Allele origin: germline. Affected: yes.
Comment: Not observed at significant frequency in large population cohorts (gnomAD); Frameshift variant predicted to result in abnormal protein length as the last amino acid is replaced with 7 different amino acids; Has not been previously published as pathogenic or benign to our knowledge